The following is an entry in ClinVar:

ClinVar aggregate classification (germline): Uncertain significance. Review status: criteria provided, multiple submitters, no conflicts (2 of 4 stars). 2 submissions from 2 submitters: Uncertain significance (2). Last evaluated 2025-01-22.

Allele frequency attached by ClinVar (database versions not stated): gnomAD 0.00001; gnomAD exomes 0.00001; TOPMed 0.00007; ExAC 0.00011.
gnomAD v4.1: 21 of 1,530,958 alleles (0.0014%); highest among the groups gnomAD compares: East Asian, 0.048%; no homozygotes.

Submissions (2):

Labcorp Genetics (formerly Invitae), Labcorp
Classification: Uncertain significance. Last evaluated: 2025-01-22. Review status: criteria provided, single submitter. Criteria: Invitae Variant Classification Sherloc (09022015). Collection method: clinical testing. Allele origin: germline.
Comment: This sequence change replaces isoleucine, which is neutral and non-polar, with phenylalanine, which is neutral and non-polar, at codon 133 of the MESP1 protein (p.Ile133Phe). This variant is present in population databases (rs753983916, gnomAD 0.06%). This variant has not been reported in the literature in individuals affected with MESP1-related conditions. ClinVar contains an entry for this variant (Variation ID: 2957388). An algorithm developed to predict the effect of missense changes on protein structure and function (PolyPhen-2) suggests that this variant is likely to be disruptive. In summary, the available evidence is currently insufficient to determine the role of this variant in disease. Therefore, it has been classified as a Variant of Uncertain Significance.

Ambry Genetics
Classification: Uncertain significance. Last evaluated: 2023-12-13. Review status: criteria provided, single submitter. Criteria: Ambry Variant Classification Scheme 2023. Collection method: clinical testing. Allele origin: germline.

NM_018670.4(MESP1):c.397A>T (p.Ile133Phe)

Gene: MESP1 (mesoderm posterior bHLH transcription factor 1; minus strand). Cytogenetic location: 15q26.1.
Variant type: single nucleotide variant.
Coding change: c.397A>T on transcript NM_018670.4 (MANE Select); coding-DNA position 397, A replaced by T.
Protein change: p.Ile133Phe; replaces isoleucine 133 with phenylalanine.
Molecular consequence: missense variant.
Genome position (GRCh38, 1-based): chr15:89,750,835, T>A on the plus strand (A>T on the coding strand, the complement: MESP1 is on the minus strand). VCF-style: chr15-89750835-T-A. GRCh37 (hg19) VCF-style: chr15-90294066-T-A.
Other names: c.397A>T (NM_018670.3); short protein forms I133F.
Identifiers: ClinVar variation 2957388 (VCV002957388.4), dbSNP rs753983916, ClinGen allele CA7730210.